The following is an entry in ClinVar:

ClinVar aggregate classification (germline): Uncertain significance (1 of 4 stars; one submission).

Conditions:
Neurofibromatosis, type 1 (NF1). Also called: VON RECKLINGHAUSEN DISEASE; NEUROFIBROMATOSIS, TYPE I, SOMATIC; Peripheral type neurofibromatosis; Neurofibromatosis, type I. Identifiers: Orphanet 636, MedGen C0027831, MONDO:0018975, OMIM 162200. Disease mechanism: loss of function.

Submission:

Labcorp Genetics (formerly Invitae), Labcorp
Classification: Uncertain significance for Neurofibromatosis, type 1. Last evaluated: 2023-09-12. Review status: criteria provided, single submitter. Criteria: Invitae Variant Classification Sherloc (09022015). Collection method: clinical testing. Allele origin: germline.
Comment: In summary, the available evidence is currently insufficient to determine the role of this variant in disease. Therefore, it has been classified as a Variant of Uncertain Significance. Advanced modeling of protein sequence and biophysical properties (such as structural, functional, and spatial information, amino acid conservation, physicochemical variation, residue mobility, and thermodynamic stability) has been performed at Invitae for this missense variant, however the output from this modeling did not meet the statistical confidence thresholds required to predict the impact of this variant on NF1 protein function. This variant has not been reported in the literature in individuals affected with NF1-related conditions. This variant is not present in population databases (gnomAD no frequency). This sequence change replaces isoleucine, which is neutral and non-polar, with leucine, which is neutral and non-polar, at codon 2617 of the NF1 protein (p.Ile2617Leu).

NM_001042492.3(NF1):c.7912A>C (p.Ile2638Leu)

Gene: NF1 (neurofibromin 1; plus strand). Cytogenetic location: 17q11.2.
Variant type: single nucleotide variant.
Coding change: c.7912A>C on transcript NM_001042492.3 (MANE Select); coding-DNA position 7912, A replaced by C.
Protein change: p.Ile2638Leu; replaces isoleucine 2638 with leucine.
Molecular consequence: missense variant.
Genome position (GRCh38, 1-based): chr17:31,357,311, A>C. VCF-style: chr17-31357311-A-C. GRCh37 (hg19) VCF-style: chr17-29684329-A-C.
Other names: c.7849A>C, p.Ile2617Leu (NM_000267.4); short protein forms I2617L, I2638L.
Identifiers: ClinVar variation 2760247 (VCV002760247.3), dbSNP rs2151583282, ClinGen allele CA399203441.